The following is an entry in ClinVar:

NM_004415.4(DSP):c.1702-13T>A

Gene: DSP (desmoplakin; plus strand). Cytogenetic location: 6p24.3.
Variant type: single nucleotide variant.
Coding change: c.1702-13T>A on transcript NM_004415.4 (MANE Select); 13 bases into the intron before coding-DNA position 1702, T replaced by A.
Molecular consequence: intron variant.
Genome position (GRCh38, 1-based): chr6:7,571,370, T>A. VCF-style: chr6-7571370-T-A. GRCh37 (hg19) VCF-style: chr6-7571603-T-A.
Other names: c.1702-13T>A (NM_001319034.2, NM_001008844.3).
Identifiers: ClinVar variation 1525743 (VCV001525743.6), dbSNP rs771235236, ClinGen allele CA2573140856.

ClinVar aggregate classification (germline): Uncertain significance (1 of 4 stars; one submission).

Conditions:
Arrhythmogenic right ventricular dysplasia 8 (ARVD8). Also called: Arrhythmogenic Right Ventricular Dysplasia/Cardiomyopathy 8; ARRHYTHMOGENIC RIGHT VENTRICULAR CARDIOMYOPATHY 8; ARRHYTHMOGENIC RIGHT VENTRICULAR DYSPLASIA, FAMILIAL, 8. Identifiers: MedGen C1843896, MONDO:0011831, OMIM 607450.
Arrhythmogenic cardiomyopathy with wooly hair and keratoderma. Also called: PALMOPLANTAR KERATODERMA WITH LEFT VENTRICULAR CARDIOMYOPATHY AND WOOLLY HAIR; Carvajal syndrome; Dilated cardiomyopathy with woolly hair and keratoderma; Arrhythmogenic cardiomyopathy with woolly hair and keratoderma. Identifiers: Orphanet 65282, MedGen C1854063, MONDO:0011581, OMIM 605676.

Submission:

Labcorp Genetics (formerly Invitae), Labcorp
Classification: Uncertain significance for Arrhythmogenic cardiomyopathy with wooly hair and keratoderma; Arrhythmogenic right ventricular dysplasia 8. Last evaluated: 2024-07-09. Review status: criteria provided, single submitter. Criteria: Invitae Variant Classification Sherloc (09022015). Collection method: clinical testing. Allele origin: germline.
Comment: This sequence change falls in intron 13 of the DSP gene. It does not directly change the encoded amino acid sequence of the DSP protein. This variant is not present in population databases (gnomAD no frequency). This variant has not been reported in the literature in individuals affected with DSP-related conditions. ClinVar contains an entry for this variant (Variation ID: 1525743). Algorithms developed to predict the effect of sequence changes on RNA splicing suggest that this variant may disrupt the consensus splice site. In summary, the available evidence is currently insufficient to determine the role of this variant in disease. Therefore, it has been classified as a Variant of Uncertain Significance.